The following is an entry in ClinVar:

ClinVar aggregate classification (germline): Uncertain significance (1 of 4 stars; one submission).

Submission:

CeGaT Center for Human Genetics Tuebingen
Classification: Uncertain significance. Last evaluated: 2026-09-01. Review status: criteria provided, single submitter. Criteria: CeGaT Center For Human Genetics Tuebingen Variant Classification Criteria Version 2. Collection method: clinical testing. Allele origin: germline. Affected: yes. Observed: 1 variant allele.
Comment: SGCB: PM2, PM3:Supporting

NM_000232.5(SGCB):c.503T>C (p.Met168Thr)

Gene: SGCB (sarcoglycan beta; minus strand). Cytogenetic location: 4q12.
Variant type: single nucleotide variant.
Coding change: c.503T>C on transcript NM_000232.5 (MANE Select); coding-DNA position 503, T replaced by C.
Protein change: p.Met168Thr; replaces methionine 168 with threonine.
Molecular consequence: missense variant.
Genome position (GRCh38, 1-based): chr4:52,028,848, A>G on the plus strand (T>C on the coding strand, the complement: SGCB is on the minus strand). VCF-style: chr4-52028848-A-G. GRCh37 (hg19) VCF-style: chr4-52895014-A-G.
Other names: c.293T>C, p.Met98Thr (NM_001440519.1); c.206T>C, p.Met69Thr (NM_001440520.1); short protein forms M168T, M69T, M98T.
Identifiers: ClinVar variation 5041153 (VCV005041153.1).
Genomic context (GRCh38, chr4:52,028,848, plus strand): 5'-TCATGAGTTTCATAGTCTGTGCTGAATAAGATATTTTGAGTCCTCGGGTCAAAAAACTGC[A>G]TGCCGATGTCACTTGTAATAGAAGTTTTGTTGTTTTCTACACTGAGCTTTGTTGTCCCTT-3'
Protein context (NP_000223.1, residues 158-178): NKTSITSDIG[Met168Thr]QFFDPRTQNI